The following is an entry in ClinVar:

ClinVar aggregate classification (germline): Conflicting classifications of pathogenicity. Review status: criteria provided, conflicting classifications (1 of 4 stars). 3 submissions from 3 submitters: Pathogenic (1); Likely pathogenic (1); Uncertain significance (1). Last evaluated 2023-11-07.

Conditions:
Neurodegeneration with brain iron accumulation (NBIA). Identifiers: Orphanet 385, MedGen C2931845, MONDO:0018307.
Infantile neuroaxonal dystrophy (NBIA2A). Also called: NEURODEGENERATION WITH BRAIN IRON ACCUMULATION 2A; SEITELBERGER DISEASE; Infantile neuroaxonal dystrophy 1. Identifiers: Orphanet 35069, MedGen C0270724, MONDO:0024457, OMIM 256600.
Inborn genetic diseases. Identifiers: MedGen C0950123, MeSH D030342.

Allele frequency attached by ClinVar (database versions not stated): gnomAD exomes below 0.00001.

Submissions (3):

Ambry Genetics
Classification: Uncertain significance for Inborn genetic diseases. Last evaluated: 2023-11-07. Review status: criteria provided, single submitter. Criteria: Ambry Variant Classification Scheme 2023. Collection method: clinical testing. Allele origin: germline.
Comment: The c.1294delC (p.H432Ifs*15) alteration, located in exon 9 (coding exon 8) of the PLA2G6 gene, consists of a deletion of one nucleotide at position 1294, causing a translational frameshift with a predicted alternate stop codon after 15 amino acids. This region of the PLA2G6 gene is excluded from biologically relevant transcript isoforms. Based on data from gnomAD, this allele has an overall frequency of <0.001% (1/250880) total alleles studied. Based on insufficient or conflicting evidence, the clinical significance of this alteration remains unclear.

Labcorp Genetics (formerly Invitae), Labcorp
Classification: Pathogenic for Infantile neuroaxonal dystrophy. Last evaluated: 2023-10-24. Review status: criteria provided, single submitter. Criteria: Invitae Variant Classification Sherloc (09022015). Collection method: clinical testing. Allele origin: germline.
Comment: This sequence change creates a premature translational stop signal (p.His432Ilefs*15) in the PLA2G6 gene. It is expected to result in an absent or disrupted protein product. Loss-of-function variants in PLA2G6 are known to be pathogenic (PMID: 16783378, 18570303, 18799783, 22213678). This variant is present in population databases (no rsID available, gnomAD no frequency). This variant has not been reported in the literature in individuals affected with PLA2G6-related conditions. ClinVar contains an entry for this variant (Variation ID: 1705054). Algorithms developed to predict the effect of sequence changes on RNA splicing suggest that this variant may disrupt the consensus splice site. For these reasons, this variant has been classified as Pathogenic.

Women's Health and Genetics/Laboratory Corporation of America, LabCorp
Classification: Likely pathogenic for Neurodegeneration with brain iron accumulation. Last evaluated: 2022-08-08. Review status: criteria provided, single submitter. Criteria: LabCorp Variant Classification Summary - May 2015. Collection method: clinical testing. Allele origin: germline.
Comment: Variant summary: PLA2G6 c.1294delC (p.His432IlefsX15) results in a premature termination codon, predicted to cause a truncation of the encoded protein or absence of the protein due to nonsense mediated decay, which are commonly known mechanisms for disease. Truncations downstream of this position have been classified as pathogenic by our laboratory. The variant allele was found at a frequency of 4e-06 in 250880 control chromosomes (gnomAD). To our knowledge, no occurrence of c.1294delC in individuals affected with Neurodegeneration With Brain Iron Accumulation and no experimental evidence demonstrating its impact on protein function have been reported. No clinical diagnostic laboratories have submitted clinical-significance assessments for this variant to ClinVar after 2014. Based on the evidence outlined above, the variant was classified as likely pathogenic.

Literature cited by the submitters: PubMed 16783378 (cited by Labcorp Genetics (formerly Invitae), Labcorp); PubMed 18570303 (cited by Labcorp Genetics (formerly Invitae), Labcorp); PubMed 18799783 (cited by Labcorp Genetics (formerly Invitae), Labcorp); PubMed 22213678 (cited by Labcorp Genetics (formerly Invitae), Labcorp); PubMed 33050356 (cited by Women's Health and Genetics/Laboratory Corporation of America, LabCorp).

NM_003560.4(PLA2G6):c.1294del (p.His432fs)

Gene: PLA2G6 (phospholipase A2 group VI; minus strand). Cytogenetic location: 22q13.1.
Variant type: Deletion.
Coding change: c.1294del on transcript NM_003560.4 (MANE Select); coding-DNA position 1294, one base deleted (C; older notation c.1294delC).
Protein change: p.His432fs; shifts the reading frame from histidine 432.
Molecular consequence: frameshift variant. On other transcripts: intron variant (5).
Genome position (GRCh38, 1-based): chr22:38,128,323, G deleted on the plus strand (C on the coding strand, the reverse complement: PLA2G6 is on the minus strand). VCF-style (leftmost placement, unchanged base first): chr22-38128322-TG-T. GRCh37 (hg19) VCF-style: chr22-38524329-TG-T.
Other names: c.652+1131del (NM_001349869.2); c.1186+1131del (NM_001349865.2, NM_001004426.3, NM_001349866.2 and 1 more transcripts); c.1294del, p.His432fs (NM_001349864.2); c.760del, p.His254fs (NM_001349867.2); c.616del, p.His206fs (NM_001349868.2); short protein forms H206fs, H254fs, H432fs.
Identifiers: ClinVar variation 1705054 (VCV001705054.5), dbSNP rs1282655744, ClinGen allele CA639395952.